The following is an entry in ClinVar:

NM_000059.4(BRCA2):c.10G>T (p.Gly4Ter)

Gene: BRCA2 (BRCA2 DNA repair associated; plus strand). Cytogenetic location: 13q13.1.
Variant type: single nucleotide variant.
Coding change: c.10G>T on transcript NM_000059.4 (MANE Select); coding-DNA position 10, G replaced by T.
Protein change: p.Gly4Ter; replaces glycine 4 with a stop codon.
Molecular consequence: nonsense.
Genome position (GRCh38, 1-based): chr13:32,316,470, G>T. VCF-style: chr13-32316470-G-T. GRCh37 (hg19) VCF-style: chr13-32890607-G-T.
Other names: 0238G>T-Gly4ter; short protein forms G4*.
Identifiers: ClinVar variation 51063 (VCV000051063.27), dbSNP rs397507571, ClinGen allele CA010813.
Genomic context (GRCh38, chr13:32,316,470, plus strand): 5'-TCTGTTTTGCAGACTTATTTACCAAGCATTGGAGGAATATCGTAGGTAAAAATGCCTATT[G>T]GATCCAAAGAGAGGCCAACATTTTTTGAAATTTTTAAGACACGCTGCAACAAAGCAGGTA-3'

ClinVar aggregate classification (germline): Pathogenic. Review status: reviewed by expert panel (3 of 4 stars). 10 submissions from 10 submitters: Pathogenic (1). 9 of the submissions do not count toward it. Last evaluated 2016-10-18.

Conditions:
Hereditary breast ovarian cancer syndrome. Also called: Hereditary breast and ovarian cancer syndrome; Hereditary breast and ovarian cancer; Hereditary breast and ovarian cancer syndrome (HBOC); Breast and ovarian cancer; Hereditary breast and/or ovarian cancer syndrome; BRCA1- and BRCA2-Associated Hereditary Breast and Ovarian Cancer. Identifiers: Orphanet 145, MedGen C0677776, MeSH D061325, MONDO:0003582. Disease mechanism: loss of function.
Breast-ovarian cancer, familial, susceptibility to, 2 (BROVCA2). Also called: BRCA2 Hereditary Breast and Ovarian Cancer. Identifiers: Orphanet 145, MedGen C2675520, MONDO:0012933, OMIM 612555. Disease mechanism: loss of function.
Breast and/or ovarian cancer. Identifiers: MedGen CN221562.
Hereditary cancer-predisposing syndrome. Also called: Neoplastic Syndromes, Hereditary; Tumor predisposition; Hereditary Cancer Syndrome; Hereditary neoplastic syndrome. Identifiers: Orphanet 140162, MedGen C0027672, MeSH D009386, MONDO:0015356.

Submissions (10):

Evidence-based Network for the Interpretation of Germline Mutant Alleles (ENIGMA)
Classification: Pathogenic for Breast-ovarian cancer, familial, susceptibility to, 2. Last evaluated: 2016-10-18. Review status: reviewed by expert panel. Criteria: ENIGMA BRCA1/2 Classification Criteria (2015). Collection method: curation. Allele origin: germline.
Comment: Variant allele predicted to encode a truncated non-functional protein.

Labcorp Genetics (formerly Invitae), Labcorp
Classification: Pathogenic for Hereditary breast ovarian cancer syndrome. Last evaluated: 2025-08-01. Review status: criteria provided, single submitter. Criteria: Invitae Variant Classification Sherloc (09022015). Collection method: clinical testing. Allele origin: germline. Not counted in ClinVar's aggregate classification.
Comment: This sequence change creates a premature translational stop signal (p.Gly4*) in the BRCA2 gene. It is expected to result in an absent or disrupted protein product. Loss-of-function variants in BRCA2 are known to be pathogenic (PMID: 20104584). This variant is not present in population databases (gnomAD no frequency). This premature translational stop signal has been observed in individual(s) with breast and/or ovarian cancer (PMID: 17453335, 29446198). ClinVar contains an entry for this variant (Variation ID: 51063). Algorithms developed to predict the effect of sequence changes on RNA splicing suggest that this variant may disrupt the consensus splice site. For these reasons, this variant has been classified as Pathogenic.

ARUP Laboratories, Molecular Genetics and Genomics, ARUP Laboratories
Classification: Pathogenic. Last evaluated: 2024-01-02. Review status: criteria provided, single submitter. Criteria: ARUP Molecular Germline Variant Investigation Process 2024. Collection method: clinical testing. Allele origin: germline. Not counted in ClinVar's aggregate classification.
Comment: The BRCA2 c.10G>T; p.Gly4Ter variant (rs397507571) is reported in the literature in several individuals and families individuals affected with breast and/or ovarian cancer (Apostolou 2020, Konstantopoulou 2008, Rebbeck 2018, Tsaousis 2019). This variant is also reported in ClinVar (Variation ID: 51063), but is absent from the Genome Aggregation Database (v2.1.1), indicating it is not a common polymorphism. This variant induces an early termination codon and is predicted to result in a truncated protein or mRNA subject to nonsense-mediated decay. Based on available information, this variant is considered to be pathogenic. References: Apostolou P et al. BRCA1 and BRCA2 germline testing in Cretan isolates reveals novel and strong founder effects. Int J Cancer. 2020 Sep 1;147(5):1334-1342. PMID: 32022259. Konstantopoulou I et al. Greek BRCA1 and BRCA2 mutation spectrum: two BRCA1 mutations account for half the carriers found among high-risk breast/ovarian cancer patients. Breast Cancer Res Treat. 2008 Feb;107(3):431-41. PMID: 17453335. Rebbeck TR et al. Mutational spectrum in a worldwide study of 29,700 families with BRCA1 or BRCA2 mutations. Hum Mutat. 2018 May;39(5):593-620. PMID: 29446198. Tsaousis GN et al. Analysis of hereditary cancer syndromes by using a panel of genes: novel and multiple pathogenic mutations. BMC Cancer. 2019 Jun 3;19(1):535. PMID: 31159747.

Ambry Genetics
Classification: Pathogenic for Hereditary cancer-predisposing syndrome. Last evaluated: 2020-11-02. Review status: criteria provided, single submitter. Criteria: Ambry Variant Classification Scheme 2023. Collection method: clinical testing. Allele origin: germline. Not counted in ClinVar's aggregate classification.
Comment: The p.G4* pathogenic mutation (also known as c.10G>T), located in coding exon 1 of the BRCA2 gene, results from a G to T substitution at nucleotide position 10. This changes the amino acid from a glycine to a stop codon within coding exon 1. This pathogenic mutation has been reported in numerous families diagnosed with breast and/or ovarian cancer (Konstantopoulou I et al. Breast Cancer Res. Treat. 2008 Feb;107:431-41; Rebbeck TR et al. Hum Mutat. 2018 05;39:593-620; Tsaousis GN et al. BMC Cancer. 2019 Jun;19:535; Apostolou P et al. Int J Cancer. 2020 Sep;147:1334-1342). This variant was not reported in population-based cohorts in the Genome Aggregation Database (gnomAD). In addition to the clinical data presented in the literature, this alteration is expected to result in loss of function by premature protein truncation or nonsense-mediated mRNA decay. As such, this alteration is interpreted as a disease-causing mutation.

GeneKor MSA
Classification: Pathogenic. Last evaluated: 2020-01-01. Review status: criteria provided, single submitter. Criteria: ACMG Guidelines, 2015. Collection method: clinical testing. Allele origin: germline. Not counted in ClinVar's aggregate classification.
Comment: This sequence change is a point mutation that replaces Glycine with a premature termination codon at the fourth position of BRCA2 protein. The resulting protein is truncated and inactive. This variant has been reported in international bibliography in patients with breast and ovarian cancer (PMID: 17453335). This finding is not present in population databases (ExAC, EVS). The mutation database ClinVar contains an entry for this variant (Variation ID: 51063).

CHEO Genetics Diagnostic Laboratory, Children's Hospital of Eastern Ontario
Classification: Pathogenic for Breast and/or ovarian cancer. Last evaluated: 2019-08-21. Review status: criteria provided, single submitter. Criteria: ACMG Guidelines, 2015. Collection method: clinical testing. Allele origin: germline. Study: Canadian Open Genetics Repository. Not counted in ClinVar's aggregate classification.

Clinical Genetics and Genomics, Karolinska University Hospital
Classification: Pathogenic. Last evaluated: 2017-01-13. Review status: criteria provided, single submitter. Criteria: ACMG Guidelines, 2015. Collection method: clinical testing. Allele origin: germline. Affected: yes. Observed: 1 variant allele. Not counted in ClinVar's aggregate classification.

Consortium of Investigators of Modifiers of BRCA1/2 (CIMBA), c/o University of Cambridge
Classification: Pathogenic for Breast-ovarian cancer, familial, susceptibility to, 2. Last evaluated: 2015-10-02. Review status: criteria provided, single submitter. Criteria: CIMBA Mutation Classification guidelines May 2016. Collection method: clinical testing. Allele origin: germline. Not counted in ClinVar's aggregate classification.

Clinical Genetics Laboratory, Department of Pathology, Netherlands Cancer Institute
Classification: Pathogenic. Review status: no assertion criteria provided. Collection method: clinical testing. Allele origin: germline. Affected: yes. Study: VKGL Data-share Consensus. Not counted in ClinVar's aggregate classification.

Joint Genome Diagnostic Labs from Nijmegen and Maastricht, Radboudumc and MUMC+
Classification: Pathogenic. Review status: no assertion criteria provided. Collection method: clinical testing. Allele origin: germline. Affected: yes. Study: VKGL Data-share Consensus. Not counted in ClinVar's aggregate classification.

Literature cited by the submitters: PubMed 20104584 (cited by Labcorp Genetics (formerly Invitae), Labcorp); PubMed 17453335 (cited by Labcorp Genetics (formerly Invitae), Labcorp and Ambry Genetics); PubMed 29446198 (cited by Labcorp Genetics (formerly Invitae), Labcorp and Ambry Genetics); PubMed 31159747 (cited by Ambry Genetics); PubMed 32022259 (cited by Ambry Genetics).